The following is an entry in ClinVar:

NM_000127.3(EXT1):c.962+1G>A

Gene: EXT1 (exostosin glycosyltransferase 1; minus strand). Cytogenetic location: 8q24.11.
Variant type: single nucleotide variant.
Coding change: c.962+1G>A on transcript NM_000127.3 (MANE Select); the canonical splice donor site of the intron after coding-DNA position 962, G replaced by A.
Molecular consequence: splice donor variant.
Genome position (GRCh38, 1-based): chr8:118,110,084, C>T on the plus strand (G>A on the coding strand, the complement: EXT1 is on the minus strand). VCF-style: chr8-118110084-C-T. GRCh37 (hg19) VCF-style: chr8-119122323-C-T.
Identifiers: ClinVar variation 642916 (VCV000642916.13), dbSNP rs886039353, ClinGen allele CA371914650.

ClinVar aggregate classification (germline): Pathogenic. Review status: criteria provided, multiple submitters, no conflicts (2 of 4 stars). 3 submissions from 3 submitters: Pathogenic (3). Last evaluated 2025-11-03.

Conditions:
Multiple congenital exostosis (EXT). Also called: Multiple exostoses; Hereditary multiple osteochondromas; MULTIPLE CARTILAGINOUS EXOSTOSES; Multiple osteochondromas; Hereditary multiple exostoses; Hereditary multiple exostosis. Identifiers: Orphanet 321, MedGen C0015306, MONDO:0005508, HP:0002762.
Exostoses, multiple, type 1 (EXT1). Also called: Hereditary Multiple Osteochondromatosis, Type I; EXOSTOSES, MULTIPLE, TYPE I. Identifiers: MedGen CN263289, MONDO:0007585, OMIM 133700.
EXT1-related disorders.

Submissions (3):

Labcorp Genetics (formerly Invitae), Labcorp
Classification: Pathogenic for Multiple congenital exostosis. Last evaluated: 2025-11-03. Review status: criteria provided, single submitter. Criteria: Invitae Variant Classification Sherloc (09022015). Collection method: clinical testing. Allele origin: germline.
Comment: This sequence change affects a donor splice site in intron 1 of the EXT1 gene. It is expected to disrupt RNA splicing. Variants that disrupt the donor or acceptor splice site typically lead to a loss of protein function (PMID: 16199547), and loss-of-function variants in EXT1 are known to be pathogenic (PMID: 10679937, 11391482, 19810120). This variant is not present in population databases (gnomAD no frequency). Disruption of this splice site has been observed in individuals with multiple osteochondromatosis (PMID: 15253765, 16283885). ClinVar contains an entry for this variant (Variation ID: 642916). Algorithms developed to predict the effect of sequence changes on RNA splicing suggest that this variant may disrupt the consensus splice site. For these reasons, this variant has been classified as Pathogenic.

Blueprint Genetics
Classification: Pathogenic for EXT1-related disorders. Last evaluated: 2024-07-23. Review status: criteria provided, single submitter. Criteria: ACMG Guidelines, 2015. Collection method: clinical testing. Allele origin: germline. Affected: yes. Observed: 3 variant alleles.

3billion
Classification: Pathogenic for Exostoses, multiple, type 1. Last evaluated: 2023-08-30. Review status: criteria provided, single submitter. Criteria: ACMG Guidelines, 2015. Collection method: clinical testing. Allele origin: germline. Affected: yes.
Comment: The variant is not observed in the gnomAD v2.1.1 dataset. Predicted Consequence/Location: Canonical splice site: predicted to alter splicing and result in a loss or disruption of normal protein function. Multiple pathogenic loss-of-function variants are reported downstream of the variant. The variant has been reported to be associated with EXT1 related disorder (ClinVar ID: VCV000642916 /PMID: 19810120). Therefore, this variant is classified as Pathogenic according to the recommendation of ACMG/AMP guideline.

Literature cited by the submitters: PubMed 16199547 (cited by Labcorp Genetics (formerly Invitae), Labcorp); PubMed 10679937 (cited by Labcorp Genetics (formerly Invitae), Labcorp); PubMed 11391482 (cited by Labcorp Genetics (formerly Invitae), Labcorp); PubMed 19810120 (cited by Labcorp Genetics (formerly Invitae), Labcorp and 3billion); PubMed 15253765 (cited by Labcorp Genetics (formerly Invitae), Labcorp); PubMed 16283885 (cited by Labcorp Genetics (formerly Invitae), Labcorp).